The following is an entry in ClinVar:

ClinVar aggregate classification (germline): Likely pathogenic (1 of 4 stars; one submission).

Conditions:
Autosomal recessive nonsyndromic hearing loss 77. Identifiers: Orphanet 90636, MedGen C2746083, MONDO:0013119, OMIM 613079.

Submission:

Victorian Clinical Genetics Services, Murdoch Childrens Research Institute
Classification: Likely pathogenic for Autosomal recessive nonsyndromic hearing loss 77. Last evaluated: 2018-07-01. Review status: criteria provided, single submitter. Criteria: ACMG Guidelines, 2015. Collection method: clinical testing. Allele origin: unknown. Affected: yes.
Comment: A heterozygous frameshift deletion variant, NM_144612.6(LOXHD1):c.5885delC, has been identified in exon 38 of 40 of the LOXHD1 gene. This deletion is predicted to create a frameshift starting at amino acid position 1962, introducing a stop codon 137 residues downstream, NP_653213.6(LOXHD1):p.(Thr1962Argfs*137). This variant is predicted to result in loss of protein function either through truncation (including the PLAT domain) or nonsense-mediated decay, which is a reported mechanism of pathogenicity for this gene. The variant is absent in population databases (gnomAD, dbSNP, 1000G) and has not been previously reported in clinical cases. Additionally, several truncating variants upstream and downstream of this variant has been reported (ClinVar). Based on the information available at the time of curation, this variant has been classified as LIKELY PATHOGENIC.

NM_001384474.1(LOXHD1):c.6071del (p.Thr2024fs)

Gene: LOXHD1 (lipoxygenase homology PLAT domains 1; minus strand). Cytogenetic location: 18q21.1.
Variant type: Deletion.
Coding change: c.6071del on transcript NM_001384474.1 (MANE Select); coding-DNA position 6071, one base deleted (C; older notation c.6071delC).
Protein change: p.Thr2024fs; shifts the reading frame from threonine 2024.
Molecular consequence: frameshift variant.
Genome position (GRCh38, 1-based): chr18:46,485,130, G deleted on the plus strand (C on the coding strand, the reverse complement: LOXHD1 is on the minus strand). VCF-style (leftmost placement, unchanged base first): chr18-46485129-CG-C. GRCh37 (hg19) VCF-style: chr18-44065092-CG-C.
Other names: c.2738del, p.Thr913fs (NM_001145472.3); c.788del, p.Thr263fs (NM_001145473.3, NM_001173129.2); c.2450del, p.Thr817fs (NM_001308013.2); c.5885del, p.Thr1962fs (NM_144612.7); c.5885delC (NM_144612.6); short protein forms T817fs, T1962fs, T263fs, T913fs, T2024fs.
Identifiers: ClinVar variation 869478 (VCV000869478.3), dbSNP rs2032939837, ClinGen allele CA916083645.